The following is an entry in ClinVar:

ClinVar aggregate classification (germline): Uncertain significance (1 of 4 stars; one submission).

Conditions:
Nemaline myopathy 2 (NEM2). Also called: Nemaline myopathy 2, autosomal recessive. Identifiers: MedGen C1850569, MONDO:0009725, OMIM 256030.

gnomAD v4.1: 15 of 1,613,446 alleles (0.00093%); highest among the groups gnomAD compares: Non-Finnish European, 0.0013%; no homozygotes.

Submission:

Labcorp Genetics (formerly Invitae), Labcorp
Classification: Uncertain significance for Nemaline myopathy 2. Last evaluated: 2022-06-30. Review status: criteria provided, single submitter. Criteria: Invitae Variant Classification Sherloc (09022015). Collection method: clinical testing. Allele origin: germline.
Comment: This sequence change replaces aspartic acid, which is acidic and polar, with histidine, which is basic and polar, at codon 6036 of the NEB protein (p.Asp6036His). This variant is not present in population databases (gnomAD no frequency). This variant has not been reported in the literature in individuals affected with NEB-related conditions. Algorithms developed to predict the effect of missense changes on protein structure and function are either unavailable or do not agree on the potential impact of this missense change (SIFT: "Deleterious"; PolyPhen-2: "Not Available"; Align-GVGD: "Class C0"). In summary, the available evidence is currently insufficient to determine the role of this variant in disease. Therefore, it has been classified as a Variant of Uncertain Significance.

NM_001164508.2(NEB):c.18106G>C (p.Asp6036His)

Gene: NEB (nebulin; minus strand). Cytogenetic location: 2q23.3.
Variant type: single nucleotide variant.
Coding change: c.18106G>C on transcript NM_001164508.2 (MANE Select); coding-DNA position 18106, G replaced by C.
Protein change: p.Asp6036His; replaces aspartic acid 6036 with histidine.
Molecular consequence: missense variant.
Genome position (GRCh38, 1-based): chr2:151,567,218, C>G on the plus strand (G>C on the coding strand, the complement: NEB is on the minus strand). VCF-style: chr2-151567218-C-G. GRCh37 (hg19) VCF-style: chr2-152423732-C-G.
Other names: c.18106G>C, p.Asp6036His (NM_001164507.2, NM_001271208.2); c.13003G>C, p.Asp4335His (NM_004543.5); short protein forms D4335H, D6036H.
Identifiers: ClinVar variation 2418703 (VCV002418703.3), dbSNP rs1196253295, ClinGen allele CA348802973.